The following is an entry in ClinVar:

NM_001080792.4(CCDC32):c.168G>A (p.Val56=)

Gene: CCDC32 (coiled-coil domain containing 32; minus strand). Cytogenetic location: 15q15.1.
Variant type: single nucleotide variant.
Coding change: c.168G>A on transcript NM_001080792.4 (MANE Select); coding-DNA position 168, G replaced by A.
Protein change: p.Val56=; no amino-acid change (valine 56 retained).
Molecular consequence: synonymous variant.
Genome position (GRCh38, 1-based): chr15:40,562,848, C>T on the plus strand (G>A on the coding strand, the complement: CCDC32 is on the minus strand). VCF-style: chr15-40562848-C-T. GRCh37 (hg19) VCF-style: chr15-40855047-C-T.
Other names: c.168G>A, p.Val56= (NM_001080791.4, NM_001289132.2, NM_001382434.1 and 9 more transcripts).
Identifiers: ClinVar variation 4980000 (VCV004980000.1).

ClinVar aggregate classification (germline): Likely benign (1 of 4 stars; one submission).

Conditions:
CCDC32-related condition.

gnomAD v4.1: 84 of 1,614,084 alleles (0.0052%); highest among the groups gnomAD compares: Non-Finnish European, 0.0063%; no homozygotes.

Submission:

PreventionGenetics, part of Exact Sciences
Classification: Likely benign for CCDC32-related condition. Last evaluated: 2026-09-24. Review status: criteria provided, single submitter. Criteria: ACMG Guidelines, 2015. Collection method: clinical testing. Allele origin: germline.
Comment: This variant is classified as likely benign based on ACMG/AMP sequence variant interpretation guidelines (Richards et al. 2015 PMID: 25741868, with internal and published modifications).